The following is an entry in ClinVar:

NM_001267550.2(TTN):c.47399_47402dup (p.Ser15802fs)

Genes: TTN (titin; minus strand), TTN-AS1 (TTN antisense RNA 1; plus strand). Cytogenetic location: 2q31.2.
Variant type: Duplication.
Coding change: c.47399_47402dup on transcript NM_001267550.2 (MANE Select); coding-DNA positions 47399 to 47402, 4 bases duplicated (AGAC; older notation c.47399_47402dupAGAC).
Protein change: p.Ser15802fs; shifts the reading frame from serine 15802.
Molecular consequence: frameshift variant.
Genome position (GRCh38, 1-based): chr2:178,617,949-178,617,952, GTCT duplicated on the plus strand (AGAC on the coding strand, the reverse complement: TTN is on the minus strand). VCF-style (leftmost placement, unchanged base first): chr2-178617948-A-AGTCT. GRCh37 (hg19) VCF-style: chr2-179482675-A-AGTCT.
Other names: c.42476_42479dup, p.Ser14161fs (NM_001256850.1); c.20204_20207dup, p.Ser6737fs (NM_003319.4); c.39695_39698dup, p.Ser13234fs (NM_133378.4); c.20579_20582dup, p.Ser6862fs (NM_133432.3); c.20780_20783dup, p.Ser6929fs (NM_133437.4); short protein forms S6862fs, S6929fs, S14161fs, S15802fs, S13234fs, S6737fs.
Identifiers: ClinVar variation 4795230 (VCV004795230.1).

ClinVar aggregate classification (germline): Pathogenic (1 of 4 stars; one submission).

Conditions:
Autosomal recessive titinopathy. Identifiers: MedGen CN315649, MONDO:0100493.

Submission:

Myofin, Folkhalsan Research Center
Classification: Pathogenic for Autosomal recessive titinopathy. Last evaluated: 2026-02-06. Review status: criteria provided, single submitter. Criteria: ACMG Guidelines, 2015. Collection method: research. Allele origin: germline. Affected: yes.
Comment: TTN loss-of-function is an established mechanism for autosomal recessive titinopathies. ACMG/AMP criteria applied: PVS1 (predicted loss of function), PM2_Supporting (absent/rare in population databases), and PP4_Supporting (highly consistent clinical phenotype). Overall classification: Pathogenic for recessive titinopathy.

Literature cited by the submitters: DOI 10.1101/2025.07.17.25331130.